The following is an entry in ClinVar:

NM_024642.5(GALNT12):c.86C>G (p.Ala29Gly)

Genes: GALNT12 (polypeptide N-acetylgalactosaminyltransferase 12; plus strand), LOC130002222 (ATAC-STARR-seq lymphoblastoid silent region 20123; plus strand). Cytogenetic location: 9q22.33.
Variant type: single nucleotide variant.
Coding change: c.86C>G on transcript NM_024642.5 (MANE Select); coding-DNA position 86, C replaced by G.
Protein change: p.Ala29Gly; replaces alanine 29 with glycine.
Molecular consequence: missense variant.
Genome position (GRCh38, 1-based): chr9:98,807,784, C>G. VCF-style: chr9-98807784-C-G. GRCh37 (hg19) VCF-style: chr9-101570066-C-G.
Other names: short protein forms A29G.
Identifiers: ClinVar variation 1764355 (VCV001764355.8), dbSNP rs1310082193, ClinGen allele CA374222224.

ClinVar aggregate classification (germline): Uncertain significance. Review status: criteria provided, multiple submitters, no conflicts (2 of 4 stars). 3 submissions from 3 submitters: Uncertain significance (3). Last evaluated 2024-03-25.

Allele frequency attached by ClinVar (database versions not stated): gnomAD 0.00001.

Submissions (3):

Ambry Genetics
Classification: Uncertain significance. Last evaluated: 2024-03-25. Review status: criteria provided, single submitter. Criteria: Ambry Variant Classification Scheme 2023. Collection method: clinical testing. Allele origin: germline.
Comment: The p.A29G variant (also known as c.86C>G), located in coding exon 1 of the GALNT12 gene, results from a C to G substitution at nucleotide position 86. The alanine at codon 29 is replaced by glycine, an amino acid with similar properties. This amino acid position is conserved. In addition, this alteration is predicted to be tolerated by in silico analysis. Since supporting evidence is limited at this time, the clinical significance of this alteration remains unclear.

Labcorp Genetics (formerly Invitae), Labcorp
Classification: Uncertain significance. Last evaluated: 2022-09-10. Review status: criteria provided, single submitter. Criteria: Invitae Variant Classification Sherloc (09022015). Collection method: clinical testing. Allele origin: germline.
Comment: This sequence change replaces alanine, which is neutral and non-polar, with glycine, which is neutral and non-polar, at codon 29 of the GALNT12 protein (p.Ala29Gly). In summary, the available evidence is currently insufficient to determine the role of this variant in disease. Therefore, it has been classified as a Variant of Uncertain Significance. Algorithms developed to predict the effect of missense changes on protein structure and function (SIFT, PolyPhen-2, Align-GVGD) all suggest that this variant is likely to be tolerated. This variant has not been reported in the literature in individuals affected with GALNT12-related conditions. This variant is not present in population databases (gnomAD no frequency).

Blueprint Genetics
Classification: Uncertain significance. Last evaluated: 2020-09-10. Review status: criteria provided, single submitter. Criteria: ACMG Guidelines, 2015. Collection method: clinical testing. Allele origin: germline.